The following is an entry in ClinVar:

ClinVar aggregate classification (germline): Uncertain significance. Review status: criteria provided, multiple submitters, no conflicts (2 of 4 stars). 3 submissions from 3 submitters: Uncertain significance (3). Last evaluated 2025-07-10.

Conditions:
Paramyotonia congenita of Von Eulenburg. Also called: PARALYSIS PERIODICA PARAMYOTONICA; Paramyotonia Congenita; Eulenburg disease; Myotonia congenita intermittens; Von Eulenburg paramyotonia congenita. Identifiers: Orphanet 684, MedGen C0221055, MONDO:0008195, OMIM 168300. Disease mechanism: loss of function.
Congenital myasthenic syndrome 16. Identifiers: Orphanet 590, MedGen C3280112, MONDO:0013620, OMIM 614198.
Hypokalemic periodic paralysis, type 1. Also called: Hypokalemic Periodic Paralysis Type 1 (AD); HypoPP. Identifiers: Orphanet 681, MedGen C3714580, MONDO:0042979, OMIM 170400.
Potassium-aggravated myotonia. Also called: MYOTONIA CONGENITA, ACETAZOLAMIDE-RESPONSIVE; MYOTONIA CONGENITA, ATYPICAL; SODIUM CHANNEL MUSCLE DISEASE; Myotonia congenita, atypical, acetazolamide-responsive. Identifiers: Orphanet 612, Orphanet 99734, Orphanet 99735, Orphanet 99736, MedGen C2931826, MONDO:0018959, OMIM 608390.
Hypokalemic periodic paralysis, type 2 (HOKPP2). Identifiers: Orphanet 681, MedGen C2750061, MONDO:0013234, OMIM 613345.
Hyperkalemic periodic paralysis. Also called: Familial hyperkalemic periodic paralysis; Gamstorp disease. Identifiers: Orphanet 682, MedGen C0238357, MONDO:0008224, OMIM 170500, HP:0007215.

Allele frequency attached by ClinVar (database versions not stated): ESP Exome Variant Server 0.00024; gnomAD exomes 0.00001 and 0.00002; gnomAD 0.00009 and 0.00010; TOPMed 0.00010; ExAC 0.00003.

Submissions (3):

Labcorp Genetics (formerly Invitae), Labcorp
Classification: Uncertain significance for Hyperkalemic periodic paralysis. Last evaluated: 2025-07-10. Review status: criteria provided, single submitter. Criteria: Invitae Variant Classification Sherloc (09022015). Collection method: clinical testing. Allele origin: germline.
Comment: This sequence change replaces methionine, which is neutral and non-polar, with isoleucine, which is neutral and non-polar, at codon 1805 of the SCN4A protein (p.Met1805Ile). This variant is present in population databases (rs368984178, gnomAD 0.03%). This variant has not been reported in the literature in individuals affected with SCN4A-related conditions. ClinVar contains an entry for this variant (Variation ID: 1400037). Invitae Evidence Modeling of protein sequence and biophysical properties (such as structural, functional, and spatial information, amino acid conservation, physicochemical variation, residue mobility, and thermodynamic stability) indicates that this missense variant is not expected to disrupt SCN4A protein function with a negative predictive value of 95%. In summary, the available evidence is currently insufficient to determine the role of this variant in disease. Therefore, it has been classified as a Variant of Uncertain Significance.

GeneDx
Classification: Uncertain significance. Last evaluated: 2022-12-08. Review status: criteria provided, single submitter. Criteria: GeneDx Variant Classification Process June 2021. Collection method: clinical testing. Allele origin: germline. Affected: yes.
Comment: In silico analysis supports that this missense variant does not alter protein structure/function; Has not been previously published as pathogenic or benign to our knowledge

Fulgent Genetics
Classification: Uncertain significance for Paramyotonia congenita of Von Eulenburg; Hypokalemic periodic paralysis, type 1; Hyperkalemic periodic paralysis; Potassium-aggravated myotonia; Hypokalemic periodic paralysis, type 2; Congenital myasthenic syndrome 16. Last evaluated: 2022-03-25. Review status: criteria provided, single submitter. Criteria: ACMG Guidelines, 2015. Collection method: clinical testing. Allele origin: unknown.

NM_000334.4(SCN4A):c.5415G>A (p.Met1805Ile)

Genes: GH-LCR (growth hormone locus control region; plus strand), SCN4A (sodium voltage-gated channel alpha subunit 4; minus strand). Cytogenetic location: 17q23.3.
Variant type: single nucleotide variant.
Coding change: c.5415G>A on transcript NM_000334.4 (MANE Select); coding-DNA position 5415, G replaced by A.
Protein change: p.Met1805Ile; replaces methionine 1805 with isoleucine.
Molecular consequence: missense variant.
Genome position (GRCh38, 1-based): chr17:63,940,867, C>T on the plus strand (G>A on the coding strand, the complement: SCN4A is on the minus strand). VCF-style: chr17-63940867-C-T. GRCh37 (hg19) VCF-style: chr17-62018227-C-T.
Other names: short protein forms M1805I.
Identifiers: ClinVar variation 1400037 (VCV001400037.8), dbSNP rs368984178, ClinGen allele CA8708758.